The following is an entry in ClinVar:

NM_001561.6(TNFRSF9):c.140C>T (p.Pro47Leu)

Gene: TNFRSF9 (TNF receptor superfamily member 9; minus strand). Cytogenetic location: 1p36.23.
Variant type: single nucleotide variant.
Coding change: c.140C>T on transcript NM_001561.6 (MANE Select); coding-DNA position 140, C replaced by T.
Protein change: p.Pro47Leu; replaces proline 47 with leucine.
Molecular consequence: missense variant.
Genome position (GRCh38, 1-based): chr1:7,938,789, G>A on the plus strand (C>T on the coding strand, the complement: TNFRSF9 is on the minus strand). VCF-style: chr1-7938789-G-A. GRCh37 (hg19) VCF-style: chr1-7998849-G-A.
Other names: c.140C>T (NM_001561.5); short protein forms P47L.
Identifiers: ClinVar variation 1901608 (VCV001901608.10), dbSNP rs762508142, ClinGen allele CA569331.

ClinVar aggregate classification (germline): Conflicting classifications of pathogenicity. Review status: criteria provided, conflicting classifications (1 of 4 stars). 3 submissions from 3 submitters: Uncertain significance (1); Likely benign (1). 1 of the submissions does not count toward it. Last evaluated 2026-01-27.

Conditions:
TNFRSF9-related disorder. Also called: TNFRSF9-related condition.
Inborn genetic diseases. Identifiers: MedGen C0950123, MeSH D030342.

Allele frequency attached by ClinVar (database versions not stated): gnomAD 0.00002; gnomAD exomes 0.00003; TOPMed 0.00009; ExAC 0.00022.

Submissions (3):

Labcorp Genetics (formerly Invitae), Labcorp
Classification: Likely benign. Last evaluated: 2026-01-27. Review status: criteria provided, single submitter. Criteria: Invitae Variant Classification Sherloc (09022015). Collection method: clinical testing. Allele origin: germline.

Ambry Genetics
Classification: Uncertain significance for Inborn genetic diseases. Last evaluated: 2025-05-06. Review status: criteria provided, single submitter. Criteria: Ambry Variant Classification Scheme 2023. Collection method: clinical testing. Allele origin: germline.

PreventionGenetics, part of Exact Sciences
Classification: Likely benign for TNFRSF9-related condition. Last evaluated: 2023-02-15. Review status: no assertion criteria provided. Collection method: clinical testing. Allele origin: germline. Not counted in ClinVar's aggregate classification.
Comment: This variant is classified as likely benign based on ACMG/AMP sequence variant interpretation guidelines (Richards et al. 2015 PMID: 25741868, with internal and published modifications).